The following is an entry in ClinVar:

ClinVar aggregate classification (germline): Uncertain significance (1 of 4 stars; one submission).

Conditions:
Xanthinuria type II. Also called: Xanthine dehydrogenase and aldehyde oxidase combined deficiency of; XDH and AOX dual deficiency. Identifiers: Orphanet 3467, Orphanet 93602, MedGen C1863688, MONDO:0011346, OMIM 603592.

Allele frequency attached by ClinVar (database versions not stated): gnomAD exomes 0.00001; ExAC 0.00002; TOPMed 0.00002.
gnomAD v4.1: 4 of 1,614,242 alleles (0.00025%); highest among the groups gnomAD compares: East Asian, 0.0089%; no homozygotes.

Submission:

Labcorp Genetics (formerly Invitae), Labcorp
Classification: Uncertain significance for Xanthinuria type II. Last evaluated: 2024-04-29. Review status: criteria provided, single submitter. Criteria: Invitae Variant Classification Sherloc (09022015). Collection method: clinical testing. Allele origin: germline.
Comment: This sequence change replaces isoleucine, which is neutral and non-polar, with threonine, which is neutral and polar, at codon 520 of the MOCOS protein (p.Ile520Thr). This variant is present in population databases (rs775142095, gnomAD 0.02%). This variant has not been reported in the literature in individuals affected with MOCOS-related conditions. ClinVar contains an entry for this variant (Variation ID: 2188541). Algorithms developed to predict the effect of missense changes on protein structure and function output the following: SIFT: "Not Available"; PolyPhen-2: "Benign"; Align-GVGD: "Not Available". The threonine amino acid residue is found in multiple mammalian species, which suggests that this missense change does not adversely affect protein function. In summary, the available evidence is currently insufficient to determine the role of this variant in disease. Therefore, it has been classified as a Variant of Uncertain Significance.

NM_017947.4(MOCOS):c.1559T>C (p.Ile520Thr)

Gene: MOCOS (molybdenum cofactor sulfurase; plus strand). Cytogenetic location: 18q12.2.
Variant type: single nucleotide variant.
Coding change: c.1559T>C on transcript NM_017947.4 (MANE Select); coding-DNA position 1559, T replaced by C.
Protein change: p.Ile520Thr; replaces isoleucine 520 with threonine.
Molecular consequence: missense variant.
Genome position (GRCh38, 1-based): chr18:36,215,739, T>C. VCF-style: chr18-36215739-T-C. GRCh37 (hg19) VCF-style: chr18-33795702-T-C.
Other names: short protein forms I520T.
Identifiers: ClinVar variation 2188541 (VCV002188541.4), dbSNP rs775142095, ClinGen allele CA8940767.